The following is an entry in ClinVar:

NM_000493.4(COL10A1):c.430C>T (p.Pro144Ser)

Genes: COL10A1 (collagen type X alpha 1 chain; minus strand), NT5DC1 (5'-nucleotidase domain containing 1; plus strand). Cytogenetic location: 6q22.1.
Variant type: single nucleotide variant.
Coding change: c.430C>T on transcript NM_000493.4 (MANE Select); coding-DNA position 430, C replaced by T.
Protein change: p.Pro144Ser; replaces proline 144 with serine.
Molecular consequence: missense variant. On other transcripts: intron variant (1).
Genome position (GRCh38, 1-based): chr6:116,121,686, G>A on the plus strand (C>T on the coding strand, the complement: COL10A1 is on the minus strand). VCF-style: chr6-116121686-G-A. GRCh37 (hg19) VCF-style: chr6-116442849-G-A.
Other names: c.430C>T, p.Pro144Ser (NM_001424106.1, NM_001424107.1); c.529+3741G>A (NM_152729.3); short protein forms P144S.
Identifiers: ClinVar variation 355106 (VCV000355106.17), dbSNP rs752540751, ClinGen allele CA3968398.

ClinVar aggregate classification (germline): Uncertain significance. Review status: criteria provided, multiple submitters, no conflicts (2 of 4 stars). 3 submissions from 3 submitters: Uncertain significance (3). Last evaluated 2026-01-26.

Conditions:
Inborn genetic diseases. Identifiers: MedGen C0950123, MeSH D030342.
Metaphyseal chondrodysplasia, Schmid type (MCDS). Also called: SPONDYLOMETAPHYSEAL DYSPLASIA, JAPANESE TYPE. Identifiers: Orphanet 174, MedGen C0265289, MONDO:0007983, OMIM 156500.

Allele frequency attached by ClinVar (database versions not stated): gnomAD exomes 0.00003; ExAC 0.00004; gnomAD 0.00005 and 0.00006; TOPMed 0.00005.
gnomAD v4.1: 64 of 1,613,928 alleles (0.004%); highest among the groups gnomAD compares: African/African-American, 0.011%; no homozygotes.

Submissions (3):

Labcorp Genetics (formerly Invitae), Labcorp
Classification: Uncertain significance. Last evaluated: 2026-01-26. Review status: criteria provided, single submitter. Criteria: Invitae Variant Classification Sherloc (09022015). Collection method: clinical testing. Allele origin: germline.
Comment: This sequence change replaces proline, which is neutral and non-polar, with serine, which is neutral and polar, at codon 144 of the COL10A1 protein (p.Pro144Ser). This variant is present in population databases (rs752540751, gnomAD 0.01%). This variant has not been reported in the literature in individuals affected with COL10A1-related conditions. ClinVar contains an entry for this variant (Variation ID: 355106). Invitae Evidence Modeling of protein sequence and biophysical properties (such as structural, functional, and spatial information, amino acid conservation, physicochemical variation, residue mobility, and thermodynamic stability) has been performed for this missense variant. However, the output from this modeling did not meet the statistical confidence thresholds required to predict the impact of this variant on COL10A1 protein function. In summary, the available evidence is currently insufficient to determine the role of this variant in disease. Therefore, it has been classified as a Variant of Uncertain Significance.

Ambry Genetics
Classification: Uncertain significance for Inborn genetic diseases. Last evaluated: 2023-12-12. Review status: criteria provided, single submitter. Criteria: Ambry Variant Classification Scheme 2023. Collection method: clinical testing. Allele origin: germline.

Illumina Laboratory Services, Illumina
Classification: Uncertain significance for Metaphyseal chondrodysplasia, Schmid type. Last evaluated: 2018-01-12. Review status: criteria provided, single submitter. Criteria: ICSL Variant Classification Criteria 13 December 2019. Collection method: clinical testing. Allele origin: germline.